The following is an entry in ClinVar:

ClinVar aggregate classification (germline): Benign (0 of 4 stars; one submission).

Conditions:
PHF3-related disorder. Also called: PHF3-related condition.

Allele frequency attached by ClinVar (database versions not stated): gnomAD exomes 0.00027; ExAC 0.00089; gnomAD 0.00301; 1000 Genomes Project 0.00339; ESP Exome Variant Server 0.00346; TOPMed 0.00355; 1000 Genomes Project 30x 0.00359.
gnomAD v4.1: 864 of 1,613,136 alleles (0.054%); highest among the groups gnomAD compares: African/African-American, 1%; 1 homozygote.

Submission:

PreventionGenetics, part of Exact Sciences
Classification: Benign for PHF3-related condition. Last evaluated: 2022-09-09. Review status: no assertion criteria provided. Collection method: clinical testing. Allele origin: germline.
Comment: This variant is classified as benign based on ACMG/AMP sequence variant interpretation guidelines (Richards et al. 2015 PMID: 25741868, with internal and published modifications).

NM_001370348.2(PHF3):c.3276A>C (p.Glu1092Asp)

Gene: PHF3 (PHD finger protein 3; plus strand). Cytogenetic location: 6q12.
Variant type: single nucleotide variant.
Coding change: c.3276A>C on transcript NM_001370348.2 (MANE Select); coding-DNA position 3276, A replaced by C.
Protein change: p.Glu1092Asp; replaces glutamic acid 1092 with aspartic acid.
Molecular consequence: missense variant.
Genome position (GRCh38, 1-based): chr6:63,703,580, A>C. VCF-style: chr6-63703580-A-C. GRCh37 (hg19) VCF-style: chr6-64413470-A-C.
Other names: c.3012A>C, p.Glu1004Asp (NM_001290259.2, NM_001370349.2); c.1083A>C, p.Glu361Asp (NM_001370350.2); c.3276A>C, p.Glu1092Asp (NM_015153.4); short protein forms E1004D, E1092D, E361D.
Identifiers: ClinVar variation 3034923 (VCV003034923.2), dbSNP rs34451509, ClinGen allele CA3876108.